The following is an entry in ClinVar:

NM_170665.4(ATP2A2):c.2530G>A (p.Gly844Ser)

Genes: ATP2A2 (ATPase sarcoplasmic/endoplasmic reticulum Ca2+ transporting 2; plus strand), LOC126861638 (MED14-independent group 3 enhancer GRCh37_chr12:110782389-110783588; plus strand). Cytogenetic location: 12q24.11.
Variant type: single nucleotide variant.
Coding change: c.2530G>A on transcript NM_170665.4 (MANE Select); coding-DNA position 2530, G replaced by A.
Protein change: p.Gly844Ser; replaces glycine 844 with serine.
Molecular consequence: missense variant.
Genome position (GRCh38, 1-based): chr12:110,344,894, G>A. VCF-style: chr12-110344894-G-A. GRCh37 (hg19) VCF-style: chr12-110782699-G-A.
Other names: c.2530G>A, p.Gly844Ser (NM_001681.4); short protein forms G844S.
Identifiers: ClinVar variation 1217488 (VCV001217488.4), dbSNP rs568954009, ClinGen allele CA243511911.

ClinVar aggregate classification (germline): Uncertain significance (1 of 4 stars; one submission).

Allele frequency attached by ClinVar (database versions not stated): gnomAD exomes below 0.00001.
gnomAD v4.1: 1 of 1,614,138 alleles (0.000062%); highest among the groups gnomAD compares: Non-Finnish European, 0.000085%; no homozygotes.

Submission:

GeneDx
Classification: Uncertain significance. Last evaluated: 2024-03-18. Review status: criteria provided, single submitter. Criteria: GeneDx Variant Classification Process June 2021. Collection method: clinical testing. Allele origin: germline. Affected: yes.
Comment: Not observed at significant frequency in large population cohorts (gnomAD); Missense variants in this gene are a common cause of disease and they are underrepresented in the general population; In silico analysis supports that this missense variant has a deleterious effect on protein structure/function; Has not been previously published as pathogenic or benign to our knowledge